The following is an entry in ClinVar:

NM_004006.3(DMD):c.402_408dup (p.Glu137delinsGlnGlnTer)

Gene: DMD (dystrophin; minus strand). Cytogenetic location: Xp21.1.
Variant type: Duplication.
Coding change: c.402_408dup on transcript NM_004006.3 (MANE Select); coding-DNA positions 402 to 408, 7 bases duplicated (CAACAGT; older notation c.402_408dupCAACAGT).
Protein change: p.Glu137delinsGlnGlnTer.
Molecular consequence: nonsense.
Genome position (GRCh38, 1-based): chrX:32,816,590-32,816,596, ACTGTTG duplicated on the plus strand (CAACAGT on the coding strand, the reverse complement: DMD is on the minus strand). VCF-style (leftmost placement, unchanged base first): chrX-32816589-C-CACTGTTG. GRCh37 (hg19) VCF-style: chrX-32834706-C-CACTGTTG.
Other names: c.378_384dup, p.Glu129delinsGlnGlnTer (NM_000109.4); c.390_396dup, p.Glu133delinsGlnGlnTer (NM_004009.3); c.33_39dup, p.Glu14delinsGlnGlnTer (NM_004010.3).
Identifiers: ClinVar variation 851846 (VCV000851846.8), dbSNP rs2077781516, ClinGen allele CA916081263.

ClinVar aggregate classification (germline): Pathogenic (1 of 4 stars; one submission).

Conditions:
Duchenne muscular dystrophy (DMD). Also called: Duchenne Muscular Dystrophy (DMD); MUSCULAR DYSTROPHY, PSEUDOHYPERTROPHIC PROGRESSIVE, DUCHENNE TYPE. Identifiers: Orphanet 98896, MedGen C0013264, MONDO:0010679, OMIM 310200.

Submission:

Labcorp Genetics (formerly Invitae), Labcorp
Classification: Pathogenic for Duchenne muscular dystrophy. Last evaluated: 2022-06-20. Review status: criteria provided, single submitter. Criteria: Invitae Variant Classification Sherloc (09022015). Collection method: clinical testing. Allele origin: germline.
Comment: For these reasons, this variant has been classified as Pathogenic. ClinVar contains an entry for this variant (Variation ID: 851846). This variant has not been reported in the literature in individuals affected with DMD-related conditions. This variant is not present in population databases (gnomAD no frequency). This sequence change creates a premature translational stop signal (p.Glu137Glnfs*3) in the DMD gene. It is expected to result in an absent or disrupted protein product. Loss-of-function variants in DMD are known to be pathogenic (PMID: 16770791, 25007885).

Literature cited by the submitters: PubMed 16770791; PubMed 25007885.